The following is an entry in ClinVar:

ClinVar aggregate classification (germline): Uncertain significance (1 of 4 stars; one submission).

Submission:

GeneDx
Classification: Uncertain significance. Last evaluated: 2022-10-31. Review status: criteria provided, single submitter. Criteria: GeneDx Variant Classification Process June 2021. Collection method: clinical testing. Allele origin: germline. Affected: yes.
Comment: Not observed at significant frequency in large population cohorts (gnomAD); In silico analysis supports that this missense variant has a deleterious effect on protein structure/function; Has not been previously published as pathogenic or benign to our knowledge

NM_001374828.1(ARID1B):c.6652A>C (p.Asn2218His)

Gene: ARID1B (AT-rich interaction domain 1B; plus strand). Cytogenetic location: 6q25.3.
Variant type: single nucleotide variant.
Coding change: c.6652A>C on transcript NM_001374828.1 (MANE Select); coding-DNA position 6652, A replaced by C.
Protein change: p.Asn2218His; replaces asparagine 2218 with histidine.
Molecular consequence: missense variant.
Genome position (GRCh38, 1-based): chr6:157,207,424, A>C. VCF-style: chr6-157207424-A-C. GRCh37 (hg19) VCF-style: chr6-157528558-A-C.
Other names: c.6403A>C, p.Asn2135His (NM_001346813.1); c.4153A>C, p.Asn1385His (NM_001363725.2); c.6532A>C, p.Asn2178His (NM_001371656.1, NM_001374820.1); c.6493A>C, p.Asn2165His (NM_017519.3); c.6283A>C, p.Asn2095His (NM_020732.3); c.6070A>C, p.Asn2024His (NM_175863.2); short protein forms N1385H, N2024H, N2095H, N2135H, N2165H, N2178H, N2218H.
Identifiers: ClinVar variation 2500436 (VCV002500436.1), dbSNP rs2538787570, ClinGen allele CA366248756.